The following is an entry in ClinVar:

NM_002460.4(IRF4):c.338G>A (p.Arg113Gln)

Gene: IRF4 (interferon regulatory factor 4; plus strand). Cytogenetic location: 6p25.3.
Variant type: single nucleotide variant.
Coding change: c.338G>A on transcript NM_002460.4 (MANE Select); coding-DNA position 338, G replaced by A.
Protein change: p.Arg113Gln; replaces arginine 113 with glutamine.
Molecular consequence: missense variant. On other transcripts: non-coding transcript variant (1).
Genome position (GRCh38, 1-based): chr6:394,942, G>A. VCF-style: chr6-394942-G-A. GRCh37 (hg19) VCF-style: chr6-394942-G-A.
Other names: c.338G>A, p.Arg113Gln (NM_001195286.2); short protein forms R113Q.
Identifiers: ClinVar variation 1359527 (VCV001359527.8), dbSNP rs944381620, ClinGen allele CA133330939.

ClinVar aggregate classification (germline): Uncertain significance (1 of 4 stars; one submission).

Allele frequency attached by ClinVar (database versions not stated): gnomAD exomes below 0.00001; TOPMed below 0.00001.

Submission:

Labcorp Genetics (formerly Invitae), Labcorp
Classification: Uncertain significance. Last evaluated: 2024-09-19. Review status: criteria provided, single submitter. Criteria: Invitae Variant Classification Sherloc (09022015). Collection method: clinical testing. Allele origin: germline.
Comment: This sequence change replaces arginine, which is basic and polar, with glutamine, which is neutral and polar, at codon 113 of the IRF4 protein (p.Arg113Gln). This variant is not present in population databases (gnomAD no frequency). This variant has not been reported in the literature in individuals affected with IRF4-related conditions. ClinVar contains an entry for this variant (Variation ID: 1359527). An algorithm developed to predict the effect of missense changes on protein structure and function (PolyPhen-2) suggests that this variant is likely to be disruptive. In summary, the available evidence is currently insufficient to determine the role of this variant in disease. Therefore, it has been classified as a Variant of Uncertain Significance.